The following is an entry in ClinVar:

ClinVar aggregate classification (germline): Benign/Likely benign. Review status: criteria provided, multiple submitters, no conflicts (2 of 4 stars). 8 submissions from 8 submitters: Benign (3); Likely benign (4). 1 of the submissions does not count toward it. Last evaluated 2026-01-12.

Conditions:
OFD1-related disorder. Also called: OFD1-related condition.
Joubert syndrome. Also called: JOUBERT-BOLTSHAUSER SYNDROME; Familial aplasia of the vermis. Identifiers: Orphanet 475, MedGen C5979921, MONDO:0018772.
Orofaciodigital syndrome I (OFD1). Also called: Papillon-Leage and Psaume Syndrome; Oral-Facial-Digital Syndrome Type I; OFDS I. Identifiers: Orphanet 2750, MedGen C1510460, MONDO:0010702, OMIM 311200.
Simpson-Golabi-Behmel syndrome type 2. Identifiers: Orphanet 79022, MedGen C1846175, MONDO:0010265, OMIM 300209.
Retinitis pigmentosa 23 (RP23). Identifiers: Orphanet 791, MedGen C1419610, MONDO:0010320, OMIM 300424.
Joubert syndrome 10 (JBTS10). Identifiers: Orphanet 2754, MedGen C2749019, MONDO:0010431, OMIM 300804.
Primary ciliary dyskinesia. Also called: Ciliary dyskinesia. Identifiers: Orphanet 244, MedGen C0008780, MONDO:0016575, HP:0012265.
Intellectual disability. Also called: Intellectual developmental disorder; Intellectual functioning disability; intellectual disabilities. Identifiers: MedGen C3714756, MeSH D008607, MONDO:0001071, HP:0001249.

Allele frequency attached by ClinVar (database versions not stated): gnomAD exomes 0.00018 and 0.00050; ExAC 0.00021; gnomAD 0.00024; 1000 Genomes Project 0.00026; TOPMed 0.00029; 1000 Genomes Project 30x 0.00042; ESP Exome Variant Server 0.00057.
gnomAD v4.1: 573 of 1,203,364 alleles (0.048%); highest among the groups gnomAD compares: Non-Finnish European, 0.06%; 1 homozygote.

Submissions (8):

Labcorp Genetics (formerly Invitae), Labcorp
Classification: Benign for Orofaciodigital syndrome I; Joubert syndrome. Last evaluated: 2026-01-12. Review status: criteria provided, single submitter. Criteria: Invitae Variant Classification Sherloc (09022015). Collection method: clinical testing. Allele origin: germline.

Blueprint Genetics
Classification: Likely benign. Last evaluated: 2024-08-26. Review status: criteria provided, single submitter. Criteria: ACMG Guidelines, 2015. Collection method: clinical testing. Allele origin: germline.

CeGaT Center for Human Genetics Tuebingen
Classification: Likely benign. Last evaluated: 2024-02-01. Review status: criteria provided, single submitter. Criteria: CeGaT Center For Human Genetics Tuebingen Variant Classification Criteria Version 2. Collection method: clinical testing. Allele origin: germline. Affected: yes. Observed: 2 variant alleles.
Comment: OFD1: BS2

Fulgent Genetics
Classification: Likely benign for Simpson-Golabi-Behmel syndrome type 2; Retinitis pigmentosa 23; Joubert syndrome 10; Orofaciodigital syndrome I. Last evaluated: 2022-03-22. Review status: criteria provided, single submitter. Criteria: ACMG Guidelines, 2015. Collection method: clinical testing. Allele origin: unknown.

Cambridge Genomics Laboratory, East Genomic Laboratory Hub, NHS Genomic Medicine Service
Classification: Likely benign for Intellectual disability. Last evaluated: 2019-12-02. Review status: criteria provided, single submitter. Criteria: ACGS Best Practice Guidelines for Variant Classification in Rare Disease 2020. Collection method: clinical testing. Allele origin: germline. Affected: yes. Observed: 1 variant allele.

Genetic Services Laboratory, University of Chicago
Classification: Benign. Last evaluated: 2017-11-28. Review status: criteria provided, single submitter. Criteria: ACMG Guidelines, 2015. Collection method: clinical testing. Allele origin: germline. Affected: no.

Ambry Genetics
Classification: Benign for Primary ciliary dyskinesia. Last evaluated: 2017-03-31. Review status: criteria provided, single submitter. Criteria: Ambry Variant Classification Scheme 2023. Collection method: clinical testing. Allele origin: germline.

PreventionGenetics, part of Exact Sciences
Classification: Likely benign for OFD1-related condition. Last evaluated: 2023-02-01. Review status: no assertion criteria provided. Collection method: clinical testing. Allele origin: germline. Not counted in ClinVar's aggregate classification.
Comment: This variant is classified as likely benign based on ACMG/AMP sequence variant interpretation guidelines (Richards et al. 2015 PMID: 25741868, with internal and published modifications).

NM_003611.3(OFD1):c.1294A>G (p.Lys432Glu)

Gene: OFD1 (OFD1 centriole and centriolar satellite protein; plus strand). Cytogenetic location: Xp22.2.
Variant type: single nucleotide variant.
Coding change: c.1294A>G on transcript NM_003611.3 (MANE Select); coding-DNA position 1294, A replaced by G.
Protein change: p.Lys432Glu; replaces lysine 432 with glutamic acid.
Molecular consequence: missense variant.
Genome position (GRCh38, 1-based): chrX:13,756,650, A>G. VCF-style: chrX-13756650-A-G. GRCh37 (hg19) VCF-style: chrX-13774769-A-G.
Other names: c.1174A>G, p.Lys392Glu (NM_001330209.2); c.874A>G, p.Lys292Glu (NM_001330210.2); short protein forms K432E, K292E, K392E.
Identifiers: ClinVar variation 188156 (VCV000188156.43), dbSNP rs142352920, ClinGen allele CA334191.